The following is an entry in ClinVar:

NM_001277115.2(DNAH11):c.7914+2T>C

Gene: DNAH11 (dynein axonemal heavy chain 11; plus strand). Cytogenetic location: 7p15.3.
Variant type: single nucleotide variant.
Coding change: c.7914+2T>C on transcript NM_001277115.2 (MANE Select); the canonical splice donor site of the intron after coding-DNA position 7914, T replaced by C.
Molecular consequence: splice donor variant.
Genome position (GRCh38, 1-based): chr7:21,739,675, T>C. VCF-style: chr7-21739675-T-C. GRCh37 (hg19) VCF-style: chr7-21779293-T-C.
Identifiers: ClinVar variation 2773177 (VCV002773177.3), dbSNP rs2535099666, ClinGen allele CA366951030.

ClinVar aggregate classification (germline): Likely pathogenic (1 of 4 stars; one submission).

Conditions:
Primary ciliary dyskinesia. Also called: Ciliary dyskinesia. Identifiers: Orphanet 244, MedGen C0008780, MONDO:0016575, HP:0012265.

Submission:

Labcorp Genetics (formerly Invitae), Labcorp
Classification: Likely pathogenic for Primary ciliary dyskinesia. Last evaluated: 2023-11-01. Review status: criteria provided, single submitter. Criteria: Invitae Variant Classification Sherloc (09022015). Collection method: clinical testing. Allele origin: germline.
Comment: This sequence change affects a donor splice site in intron 48 of the DNAH11 gene. It is expected to disrupt RNA splicing. Variants that disrupt the donor or acceptor splice site typically lead to a loss of protein function (PMID: 16199547), and loss-of-function variants in DNAH11 are known to be pathogenic (PMID: 18022865, 20513915, 22184204). This variant is not present in population databases (gnomAD no frequency). This variant has not been reported in the literature in individuals affected with DNAH11-related conditions. Algorithms developed to predict the effect of sequence changes on RNA splicing suggest that this variant may disrupt the consensus splice site. In summary, the currently available evidence indicates that the variant is pathogenic, but additional data are needed to prove that conclusively. Therefore, this variant has been classified as Likely Pathogenic.

Literature cited by the submitters: PubMed 16199547; PubMed 18022865; PubMed 20513915; PubMed 22184204.